The following is an entry in ClinVar:

NM_152641.4(ARID2):c.4125C>T (p.Asn1375=)

Gene: ARID2 (AT-rich interaction domain 2; plus strand). Cytogenetic location: 12q12.
Variant type: single nucleotide variant.
Coding change: c.4125C>T on transcript NM_152641.4 (MANE Select); coding-DNA position 4125, C replaced by T.
Protein change: p.Asn1375=; no amino-acid change (asparagine 1375 retained).
Molecular consequence: synonymous variant.
Genome position (GRCh38, 1-based): chr12:45,852,248, C>T. VCF-style: chr12-45852248-C-T. GRCh37 (hg19) VCF-style: chr12-46246031-C-T.
Other names: c.4125C>T, p.Asn1375= (NM_001347839.2).
Identifiers: ClinVar variation 1031206 (VCV001031206.1), dbSNP rs1943565367, ClinGen allele CA479693549.

ClinVar aggregate classification (germline): Uncertain significance (1 of 4 stars; one submission).

Conditions:
Coffin-Siris syndrome 6. Identifiers: MedGen C4540499, MONDO:0033492, OMIM 617808.

Allele frequency attached by ClinVar (database versions not stated): gnomAD exomes below 0.00001.
gnomAD v4.1: 1 of 1,614,076 alleles (0.000062%); highest among the groups gnomAD compares: Middle Eastern, 0.016%; no homozygotes.

Submission:

Baylor Genetics
Classification: Uncertain significance for Coffin-Siris syndrome 6. Last evaluated: 2019-07-20. Review status: criteria provided, single submitter. Criteria: ACMG Guidelines, 2015. Collection method: clinical testing. Allele origin: unknown. Affected: yes.
Comment: This variant was determined to be of uncertain significance according to ACMG Guidelines, 2015 [PMID:25741868].